The following is an entry in ClinVar:

NM_001376.5(DYNC1H1):c.4410G>A (p.Trp1470Ter)

Gene: DYNC1H1 (dynein cytoplasmic 1 heavy chain 1; plus strand). Cytogenetic location: 14q32.31.
Variant type: single nucleotide variant.
Coding change: c.4410G>A on transcript NM_001376.5 (MANE Select); coding-DNA position 4410, G replaced by A.
Protein change: p.Trp1470Ter; replaces tryptophan 1470 with a stop codon.
Molecular consequence: nonsense.
Genome position (GRCh38, 1-based): chr14:102,001,549, G>A. VCF-style: chr14-102001549-G-A. GRCh37 (hg19) VCF-style: chr14-102467886-G-A.
Other names: short protein forms W1470*.
Identifiers: ClinVar variation 2700056 (VCV002700056.3), dbSNP rs2503731195, ClinGen allele CA391042318.
Genomic context (GRCh38, chr14:102,001,549, plus strand): 5'-GAATGCCCACATATTGATAACATGCATCTTTCTGGTTTGAATTCAGATAAGAGAAGTGTG[G>A]AATACTTATGAACTAGACTTGGTTAATTATCAGAACAAGTGCCGCTTGATCCGTGGCTGG-3'

ClinVar aggregate classification (germline): Uncertain significance (1 of 4 stars; one submission).

Conditions:
Charcot-Marie-Tooth disease axonal type 2O. Also called: CHARCOT-MARIE-TOOTH NEUROPATHY, AXONAL, TYPE 2O; CHARCOT-MARIE-TOOTH DISEASE, AXONAL, AUTOSOMAL DOMINANT, TYPE 2O; Charcot-Marie-Tooth Neuropathy Type 2O; Charcot-Marie-Tooth disease, axonal, type 20. Identifiers: Orphanet 284232, MedGen C3280220, MONDO:0013644, OMIM 614228.

Submission:

Labcorp Genetics (formerly Invitae), Labcorp
Classification: Uncertain significance for Charcot-Marie-Tooth disease axonal type 2O. Last evaluated: 2023-12-01. Review status: criteria provided, single submitter. Criteria: Invitae Variant Classification Sherloc (09022015). Collection method: clinical testing. Allele origin: germline.
Comment: This sequence change creates a premature translational stop signal (p.Trp1470*) in the DYNC1H1 gene. It is expected to result in an absent or disrupted protein product. However, the current clinical and genetic evidence is not sufficient to establish whether loss-of-function variants in DYNC1H1 cause disease. This variant is not present in population databases (gnomAD no frequency). This variant has not been reported in the literature in individuals affected with DYNC1H1-related conditions. Algorithms developed to predict the effect of sequence changes on RNA splicing suggest that this variant may disrupt the consensus splice site. In summary, the available evidence is currently insufficient to determine the role of this variant in disease. Therefore, it has been classified as a Variant of Uncertain Significance.